The following is an entry in ClinVar:

NM_001184.4(ATR):c.4639G>A (p.Glu1547Lys)

Gene: ATR (ATR checkpoint kinase; minus strand). Cytogenetic location: 3q23.
Variant type: single nucleotide variant.
Coding change: c.4639G>A on transcript NM_001184.4 (MANE Select); coding-DNA position 4639, G replaced by A.
Protein change: p.Glu1547Lys; replaces glutamic acid 1547 with lysine.
Molecular consequence: missense variant.
Genome position (GRCh38, 1-based): chr3:142,513,503, C>T on the plus strand (G>A on the coding strand, the complement: ATR is on the minus strand). VCF-style: chr3-142513503-C-T. GRCh37 (hg19) VCF-style: chr3-142232345-C-T.
Other names: c.4447G>A, p.Glu1483Lys (NM_001354579.2); short protein forms E1483K, E1547K.
Identifiers: ClinVar variation 1494994 (VCV001494994.9), dbSNP rs1386387112, ClinGen allele CA354796682.

ClinVar aggregate classification (germline): Uncertain significance. Review status: criteria provided, multiple submitters, no conflicts (2 of 4 stars). 4 submissions from 3 submitters: Uncertain significance (4). Last evaluated 2023-12-31.

Conditions:
Inborn genetic diseases. Identifiers: MedGen C0950123, MeSH D030342.
Familial cutaneous telangiectasia and oropharyngeal predisposition cancer syndrome. Identifiers: Orphanet 313846, MedGen C3281203, MONDO:0013806, OMIM 614564.
Seckel syndrome 1 (SCKL1). Also called: MICROCEPHALIC PRIMORDIAL DWARFISM I. Identifiers: Orphanet 808, MedGen C4551474, MONDO:0008869, OMIM 210600.

Allele frequency attached by ClinVar (database versions not stated): gnomAD exomes below 0.00001 and 0.00001.
gnomAD v4.1: 8 of 1,613,456 alleles (0.0005%); highest among the groups gnomAD compares: African/African-American, 0.0013%; no homozygotes.

Submissions (4):

Ambry Genetics
Classification: Uncertain significance for Inborn genetic diseases. Last evaluated: 2023-12-31. Review status: criteria provided, single submitter. Criteria: Ambry Variant Classification Scheme 2023. Collection method: clinical testing. Allele origin: germline.
Comment: The p.E1547K variant (also known as c.4639G>A), located in coding exon 26 of the ATR gene, results from a G to A substitution at nucleotide position 4639. The glutamic acid at codon 1547 is replaced by lysine, an amino acid with similar properties. This amino acid position is conserved. In addition, the in silico prediction for this alteration is inconclusive. Since supporting evidence is limited at this time, the clinical significance of this alteration remains unclear.

Labcorp Genetics (formerly Invitae), Labcorp
Classification: Uncertain significance. Last evaluated: 2023-02-22. Review status: criteria provided, single submitter. Criteria: Invitae Variant Classification Sherloc (09022015). Collection method: clinical testing. Allele origin: germline.
Comment: An algorithm developed to predict the effect of missense changes on protein structure and function (PolyPhen-2) suggests that this variant is likely to be disruptive. In summary, the available evidence is currently insufficient to determine the role of this variant in disease. Therefore, it has been classified as a Variant of Uncertain Significance. ClinVar contains an entry for this variant (Variation ID: 1494994). This variant has not been reported in the literature in individuals affected with ATR-related conditions. This variant is present in population databases (no rsID available, gnomAD 0.0009%). This sequence change replaces glutamic acid, which is acidic and polar, with lysine, which is basic and polar, at codon 1547 of the ATR protein (p.Glu1547Lys).

Genome-Nilou Lab
Classification: Uncertain significance for Seckel syndrome 1. Last evaluated: 2023-02-08. Review status: criteria provided, single submitter. Criteria: ACMG Guidelines, 2015. Collection method: clinical testing. Allele origin: germline.

Genome-Nilou Lab
Classification: Uncertain significance for Familial cutaneous telangiectasia and oropharyngeal predisposition cancer syndrome. Last evaluated: 2023-02-08. Review status: criteria provided, single submitter. Criteria: ACMG Guidelines, 2015. Collection method: clinical testing. Allele origin: germline.